The following is an entry in ClinVar:

NM_000026.4(ADSL):c.62A>G (p.Tyr21Cys)

Gene: ADSL (adenylosuccinate lyase; plus strand). Cytogenetic location: 22q13.1.
Variant type: single nucleotide variant.
Coding change: c.62A>G on transcript NM_000026.4 (MANE Select); coding-DNA position 62, A replaced by G.
Protein change: p.Tyr21Cys; replaces tyrosine 21 with cysteine.
Molecular consequence: missense variant. On other transcripts: 5 prime UTR variant (1), non-coding transcript variant (1).
Genome position (GRCh38, 1-based): chr22:40,346,620, A>G. VCF-style: chr22-40346620-A-G. GRCh37 (hg19) VCF-style: chr22-40742624-A-G.
Other names: c.62A>G, p.Tyr21Cys (NM_001123378.3, NM_001363840.3, NM_001410812.1 and 2 more transcripts); c.-76A>G (NM_001317923.2); short protein forms Y21C.
Identifiers: ClinVar variation 1973222 (VCV001973222.4), dbSNP rs914054348, ClinGen allele CA324447250.

ClinVar aggregate classification (germline): Uncertain significance (1 of 4 stars; one submission).

Conditions:
Adenylosuccinate lyase deficiency (ADSLD). Also called: ADSL DEFICIENCY. Identifiers: Orphanet 46, MedGen C0268126, MONDO:0007068, OMIM 103050.

Submission:

Labcorp Genetics (formerly Invitae), Labcorp
Classification: Uncertain significance for Adenylosuccinate lyase deficiency. Last evaluated: 2022-04-16. Review status: criteria provided, single submitter. Criteria: Invitae Variant Classification Sherloc (09022015). Collection method: clinical testing. Allele origin: germline.
Comment: This variant has not been reported in the literature in individuals affected with ADSL-related conditions. In summary, the available evidence is currently insufficient to determine the role of this variant in disease. Therefore, it has been classified as a Variant of Uncertain Significance. Advanced modeling of protein sequence and biophysical properties (such as structural, functional, and spatial information, amino acid conservation, physicochemical variation, residue mobility, and thermodynamic stability) performed at Invitae indicates that this missense variant is expected to disrupt ADSL protein function. This variant is not present in population databases (gnomAD no frequency). This sequence change replaces tyrosine, which is neutral and polar, with cysteine, which is neutral and slightly polar, at codon 21 of the ADSL protein (p.Tyr21Cys).